The following is an entry in ClinVar:

NM_032620.4(GTPBP3):c.1199C>T (p.Thr400Met)

Gene: GTPBP3 (GTP binding protein 3, mitochondrial; plus strand). Cytogenetic location: 19p13.11.
Variant type: single nucleotide variant.
Coding change: c.1199C>T on transcript NM_032620.4 (MANE Select); coding-DNA position 1199, C replaced by T.
Protein change: p.Thr400Met; replaces threonine 400 with methionine.
Molecular consequence: missense variant.
Genome position (GRCh38, 1-based): chr19:17,341,268, C>T. VCF-style: chr19-17341268-C-T. GRCh37 (hg19) VCF-style: chr19-17452077-C-T.
Other names: c.1136C>T, p.Thr379Met (NM_001128855.3); c.1265C>T, p.Thr422Met (NM_001195422.1); c.1295C>T, p.Thr432Met (NM_133644.4); short protein forms T400M, T422M, T379M, T432M.
Identifiers: ClinVar variation 1727256 (VCV001727256.1), dbSNP rs1437710672, ClinGen allele CA404738996.

ClinVar aggregate classification (germline): Uncertain significance (1 of 4 stars; one submission).

Conditions:
Hypertrophic cardiomyopathy. Also called: HYPERTROPHIC MYOCARDIOPATHY. Identifiers: Orphanet 217569, MedGen C0007194, MeSH D002312, MONDO:0005045, HP:0001639.

gnomAD v4.1: 15 of 1,605,926 alleles (0.00093%); highest among the groups gnomAD compares: Non-Finnish European, 0.0013%; no homozygotes.

Submission:

Genetic Medico-Diagnostic Laboratory Genica
Classification: Uncertain significance for Hypertrophic cardiomyopathy. Last evaluated: 2022-10-19. Review status: criteria provided, single submitter. Criteria: ACMG Guidelines, 2015. Collection method: clinical testing. Allele origin: paternal. Inheritance: Autosomal recessive inheritance. Affected: yes. Observed: 1 compound heterozygote. Segregation with disease observed.
Comment: The variant was classified as variant of uncertain significance (VUS) according to the ACMG Guidelines, 2015. The variant was found with an allele frequency of 0.0004% (no reported homozygotes) in the control populations from the gnomAD v2.1.1 project. In silico analysis by Polyphen-2, SIFT and Mutation-Taster predicted it as damaging. The amino acid change is located in the GTPBP3 G domain and threonine and methionine have moderate physicochemical difference.

Literature cited by the submitters: PubMed 25434004; PubMed 34276756; PubMed 30426380; PubMed 35413567.